The following is an entry in ClinVar:

NM_001130823.3(DNMT1):c.2720+8C>T

Gene: DNMT1 (DNA methyltransferase 1; minus strand). Cytogenetic location: 19p13.2.
Variant type: single nucleotide variant.
Coding change: c.2720+8C>T on transcript NM_001130823.3 (MANE Select); 8 bases into the intron after coding-DNA position 2720, C replaced by T.
Molecular consequence: intron variant.
Genome position (GRCh38, 1-based): chr19:10,148,876, G>A on the plus strand (C>T on the coding strand, the complement: DNMT1 is on the minus strand). VCF-style: chr19-10148876-G-A. GRCh37 (hg19) VCF-style: chr19-10259552-G-A.
Other names: c.2720+8C>T (LRG_362t1); c.2357+8C>T (NM_001318731.2); c.2672+8C>T (NM_001379.4, NM_001318730.2).
Identifiers: ClinVar variation 513118 (VCV000513118.10), dbSNP rs1043815439, ClinGen allele CA305170955.

ClinVar aggregate classification (germline): Likely benign. Review status: criteria provided, multiple submitters, no conflicts (2 of 4 stars). 2 submissions from 2 submitters: Likely benign (2). Last evaluated 2024-05-21.

Conditions:
Hereditary sensory neuropathy-deafness-dementia syndrome. Also called: NEUROPATHY, HEREDITARY SENSORY, WITH HEARING LOSS AND DEMENTIA; Hereditary Sensory and Autonomic Neuropathy Type 1E (HSAN1E); HSN IE; Hereditary sensory neuropathy type IE. Identifiers: Orphanet 456318, MedGen C3279885, MONDO:0013584, OMIM 614116.

Allele frequency attached by ClinVar (database versions not stated): TOPMed below 0.00001; gnomAD exomes 0.00002.
gnomAD v4.1: 33 of 1,614,192 alleles (0.002%); highest among the groups gnomAD compares: Non-Finnish European, 0.0025%; no homozygotes.

Submissions (2):

Labcorp Genetics (formerly Invitae), Labcorp
Classification: Likely benign for Hereditary sensory neuropathy-deafness-dementia syndrome. Last evaluated: 2024-05-21. Review status: criteria provided, single submitter. Criteria: Invitae Variant Classification Sherloc (09022015). Collection method: clinical testing. Allele origin: germline.

GeneDx
Classification: Likely benign. Last evaluated: 2017-11-07. Review status: criteria provided, single submitter. Criteria: GeneDx Variant Classification (06012015). Collection method: clinical testing. Allele origin: germline. Affected: yes.
Comment: This variant is considered likely benign or benign based on one or more of the following criteria: it is a conservative change, it occurs at a poorly conserved position in the protein, it is predicted to be benign by multiple in silico algorithms, and/or has population frequency not consistent with disease.